The following is an entry in ClinVar:

ClinVar aggregate classification (germline): Uncertain significance (1 of 4 stars; one submission).

gnomAD v4.1: 2 of 1,614,040 alleles (0.00012%); highest among the groups gnomAD compares: South Asian, 0.0011%; no homozygotes.

Submission:

GeneDx
Classification: Uncertain significance. Last evaluated: 2025-07-08. Review status: criteria provided, single submitter. Criteria: GeneDx Variant Classification Process June 2021. Collection method: clinical testing. Allele origin: germline. Affected: yes.
Comment: Not observed at significant frequency in large population cohorts (gnomAD); In silico analysis supports that this missense variant has a deleterious effect on protein structure/function; Has not been previously published as pathogenic or benign to our knowledge

NM_001347886.2(DNAH3):c.6475C>G (p.Arg2159Gly)

Gene: DNAH3 (dynein axonemal heavy chain 3; minus strand). Cytogenetic location: 16p12.3.
Variant type: single nucleotide variant.
Coding change: c.6475C>G on transcript NM_001347886.2 (MANE Select); coding-DNA position 6475, C replaced by G.
Protein change: p.Arg2159Gly; replaces arginine 2159 with glycine.
Molecular consequence: missense variant.
Genome position (GRCh38, 1-based): chr16:20,988,054, G>C on the plus strand (C>G on the coding strand, the complement: DNAH3 is on the minus strand). VCF-style: chr16-20988054-G-C. GRCh37 (hg19) VCF-style: chr16-20999376-G-C.
Other names: c.6613C>G, p.Arg2205Gly (NM_017539.2); short protein forms R2159G, R2205G.
Identifiers: ClinVar variation 4685236 (VCV004685236.1).
Genomic context (GRCh38, chr16:20,988,054, plus strand): 5'-TGAAAATCTTGGTTAAAATGTCATCCTCAAAGGCATTGATGGAAATGATATTCAGATGGC[G>C]AGTGAATCGTCCTGGGGAATACAACACACAAGTGAATCATCCTGGAAAACACATATTCTC-3'
Protein context (NP_001334815.1, residues 2149-2169): GRNDITGRFT[Arg2159Gly]HLNIISINAF